The following is an entry in ClinVar:

ClinVar aggregate classification (germline): Uncertain significance (1 of 4 stars; one submission).

Submission:

Labcorp Genetics (formerly Invitae), Labcorp
Classification: Uncertain significance. Last evaluated: 2024-07-29. Review status: criteria provided, single submitter. Criteria: Invitae Variant Classification Sherloc (09022015). Collection method: clinical testing. Allele origin: germline.
Comment: This sequence change replaces serine, which is neutral and polar, with glycine, which is neutral and non-polar, at codon 996 of the ABL1 protein (p.Ser996Gly). This variant is not present in population databases (gnomAD no frequency). This variant has not been reported in the literature in individuals affected with ABL1-related conditions. Advanced modeling of protein sequence and biophysical properties (such as structural, functional, and spatial information, amino acid conservation, physicochemical variation, residue mobility, and thermodynamic stability) performed at Invitae indicates that this missense variant is not expected to disrupt ABL1 protein function with a negative predictive value of 95%. In summary, the available evidence is currently insufficient to determine the role of this variant in disease. Therefore, it has been classified as a Variant of Uncertain Significance.

NM_005157.6(ABL1):c.2929A>G (p.Ser977Gly)

Gene: ABL1 (ABL proto-oncogene 1, non-receptor tyrosine kinase; plus strand). Cytogenetic location: 9q34.12.
Variant type: single nucleotide variant.
Coding change: c.2929A>G on transcript NM_005157.6 (MANE Select); coding-DNA position 2929, A replaced by G.
Protein change: p.Ser977Gly; replaces serine 977 with glycine.
Molecular consequence: missense variant.
Genome position (GRCh38, 1-based): chr9:130,885,219, A>G. VCF-style: chr9-130885219-A-G. GRCh37 (hg19) VCF-style: chr9-133760606-A-G.
Other names: c.2986A>G, p.Ser996Gly (NM_007313.3); short protein forms S977G, S996G.
Identifiers: ClinVar variation 3635945 (VCV003635945.2).